The following is an entry in ClinVar:

NM_000057.4(BLM):c.1087+5A>G

Gene: BLM (BLM RecQ like helicase; plus strand). Cytogenetic location: 15q26.1.
Variant type: single nucleotide variant.
Coding change: c.1087+5A>G on transcript NM_000057.4 (MANE Select); 5 bases into the intron after coding-DNA position 1087, A replaced by G.
Molecular consequence: intron variant.
Genome position (GRCh38, 1-based): chr15:90,754,943, A>G. VCF-style: chr15-90754943-A-G. GRCh37 (hg19) VCF-style: chr15-91298173-A-G.
Other names: c.1087+5A>G (NM_001287246.2, NM_001287247.2); c.-205+5A>G (NM_001287248.2).
Identifiers: ClinVar variation 2964935 (VCV002964935.3), dbSNP rs2505407641, ClinGen allele CA2740096771.

ClinVar aggregate classification (germline): Uncertain significance (1 of 4 stars; one submission).

Conditions:
Bloom syndrome (BLM). Also called: Bloom-Torre-Machacek syndrome. Identifiers: Orphanet 125, MedGen C0005859, MONDO:0008876, OMIM 210900.

Submission:

Labcorp Genetics (formerly Invitae), Labcorp
Classification: Uncertain significance for Bloom syndrome. Last evaluated: 2025-07-24. Review status: criteria provided, single submitter. Criteria: Invitae Variant Classification Sherloc (09022015). Collection method: clinical testing. Allele origin: germline.
Comment: This sequence change falls in intron 5 of the BLM gene. It does not directly change the encoded amino acid sequence of the BLM protein. It affects a nucleotide within the consensus splice site. This variant is not present in population databases (gnomAD no frequency). This variant has not been reported in the literature in individuals affected with BLM-related conditions. ClinVar contains an entry for this variant (Variation ID: 2964935). Variants that disrupt the consensus splice site are a relatively common cause of aberrant splicing (PMID: 17576681, 9536098). Algorithms developed to predict the effect of sequence changes on RNA splicing suggest that this variant is not likely to affect RNA splicing. In summary, the available evidence is currently insufficient to determine the role of this variant in disease. Therefore, it has been classified as a Variant of Uncertain Significance.

Literature cited by the submitters: PubMed 17576681; PubMed 9536098.